The following is an entry in ClinVar:

ClinVar aggregate classification (germline): Benign/Likely benign. Review status: criteria provided, multiple submitters, no conflicts (2 of 4 stars). 4 submissions from 3 submitters: Benign (3); Likely benign (1). Last evaluated 2026-01-01.

Conditions:
Alopecia universalis congenita (ALUNC). Also called: ATRICHIA, GENERALIZED. Identifiers: Orphanet 701, MedGen C1859877, MONDO:0008757, OMIM 203655.
Atrichia with papular lesions (APL). Also called: PAPULAR ATRICHIA. Identifiers: Orphanet 86819, MedGen C1859592, MONDO:0008847, OMIM 209500.

Allele frequency attached by ClinVar (database versions not stated): 1000 Genomes Project 30x 0.00109; 1000 Genomes Project 0.00140; gnomAD exomes 0.00474 and 0.00672; gnomAD 0.00502 and 0.00512; TOPMed 0.00505; ESP Exome Variant Server 0.00525; ExAC 0.01183.
gnomAD v4.1: 10,333 of 1,589,942 alleles (0.65%); highest among the groups gnomAD compares: Non-Finnish European, 0.79%; 44 homozygotes.

Submissions (4):

Labcorp Genetics (formerly Invitae), Labcorp
Classification: Benign. Last evaluated: 2026-01-01. Review status: criteria provided, single submitter. Criteria: Invitae Variant Classification Sherloc (09022015). Collection method: clinical testing. Allele origin: germline.

CeGaT Center for Human Genetics Tuebingen
Classification: Likely benign. Last evaluated: 2025-09-01. Review status: criteria provided, single submitter. Criteria: CeGaT Center For Human Genetics Tuebingen Variant Classification Criteria Version 2. Collection method: clinical testing. Allele origin: germline. Affected: yes. Observed: 3 variant alleles.
Comment: HR: BP4, BS2

Illumina Laboratory Services, Illumina
Classification: Benign for Atrichia with papular lesions. Last evaluated: 2017-04-27. Review status: criteria provided, single submitter. Criteria: ICSL Variant Classification Criteria 13 December 2019. Collection method: clinical testing. Allele origin: germline.
Comment: This variant was observed as part of a predisposition screen in an ostensibly healthy population. A literature search was performed for the gene, cDNA change, and amino acid change (where applicable). Publications were found based on this search. The evidence from the literature, in combination with allele frequency data from public databases where available, was sufficient to rule this variant out of causing disease. Therefore, this variant is classified as benign.

Illumina Laboratory Services, Illumina
Classification: Benign for Alopecia universalis congenita. Last evaluated: 2017-04-27. Review status: criteria provided, single submitter. Criteria: ICSL Variant Classification Criteria 13 December 2019. Collection method: clinical testing. Allele origin: germline.
Comment: This variant was observed as part of a predisposition screen in an ostensibly healthy population. A literature search was performed for the gene, cDNA change, and amino acid change (where applicable). No publications were found based on this search. Allele frequency data from public databases was too high to be consistent with this variant causing disease. Therefore, this variant is classified as benign.

Literature cited by the submitters: PubMed 17609203 (cited by Illumina Laboratory Services, Illumina).

NM_005144.5(HR):c.1727C>T (p.Ala576Val)

Gene: HR (HR lysine demethylase and nuclear receptor corepressor; minus strand). Cytogenetic location: 8p21.3.
Variant type: single nucleotide variant.
Coding change: c.1727C>T on transcript NM_005144.5 (MANE Select); coding-DNA position 1727, C replaced by T.
Protein change: p.Ala576Val; replaces alanine 576 with valine.
Molecular consequence: missense variant.
Genome position (GRCh38, 1-based): chr8:22,125,334, G>A on the plus strand (C>T on the coding strand, the complement: HR is on the minus strand). VCF-style: chr8-22125334-G-A. GRCh37 (hg19) VCF-style: chr8-21982847-G-A.
Other names: c.1727C>T, p.Ala576Val (NM_018411.4); short protein forms A576V.
Identifiers: ClinVar variation 912097 (VCV000912097.39), dbSNP rs76294724, ClinGen allele CA4662373.